The following is an entry in ClinVar:

ClinVar aggregate classification (germline): Benign. Review status: criteria provided, multiple submitters, no conflicts (2 of 4 stars). 2 submissions from 2 submitters: Benign (2). Last evaluated 2018-06-26.

Conditions:
Hypogonadotropic hypogonadism 7 with or without anosmia (HH7). Also called: HYPOGONADOTROPIC HYPOGONADISM 7 WITHOUT ANOSMIA; GNRHR-Related GnRH Deficiency. Identifiers: Orphanet 432, MedGen C0342384, MONDO:0007794, OMIM 146110.

Allele frequency attached by ClinVar (database versions not stated): TOPMed 0.97725; gnomAD 0.97947 and 0.98081; 1000 Genomes Project 30x 0.97814; 1000 Genomes Project 0.98103.

Submissions (2):

GeneDx
Classification: Benign. Last evaluated: 2018-06-26. Review status: criteria provided, single submitter. Criteria: GeneDx Variant Classification Process June 2021. Collection method: clinical testing. Allele origin: germline. Affected: yes.

Illumina Laboratory Services, Illumina
Classification: Benign for Hypogonadotropic hypogonadism 7 with or without anosmia. Last evaluated: 2018-01-13. Review status: criteria provided, single submitter. Criteria: ICSL Variant Classification Criteria 13 December 2019. Collection method: clinical testing. Allele origin: germline.
Comment: This variant was observed in the ICSL laboratory as part of a predisposition screen in an ostensibly healthy population. It had not been previously curated by ICSL or reported in the Human Gene Mutation Database (HGMD: prior to June 1st, 2018), and was therefore a candidate for classification through an automated scoring system. Utilizing variant allele frequency, disease prevalence and penetrance estimates, and inheritance mode, an automated score was calculated to assess if this variant is too frequent to cause the disease. Based on the score and internal cut-off values, a variant classified as benign is not then subjected to further curation. The score for this variant resulted in a classification of benign for this disease.

NM_000406.2(GNRHR):c.-224A>G

Gene: GNRHR (gonadotropin releasing hormone receptor; minus strand). Cytogenetic location: 4q13.2.
Variant type: single nucleotide variant.
Coding change: c.-224A>G on transcript NM_000406.2; 224 bases upstream of the start codon, A replaced by G.
Genome position (GRCh38, 1-based): chr4:67,754,559, T>C on the plus strand (A>G on the coding strand, the complement: GNRHR is on the minus strand). VCF-style: chr4-67754559-T-C. GRCh37 (hg19) VCF-style: chr4-68620277-T-C.
Identifiers: ClinVar variation 349460 (VCV000349460.9), dbSNP rs2627260, ClinGen allele CA10621571.